The following is an entry in ClinVar:

ClinVar aggregate classification (germline): Pathogenic. Review status: reviewed by expert panel (3 of 4 stars). 3 submissions from 3 submitters: Pathogenic (1). 2 of the submissions do not count toward it. Last evaluated 2016-10-18.

Conditions:
Breast-ovarian cancer, familial, susceptibility to, 2 (BROVCA2). Also called: BRCA2 Hereditary Breast and Ovarian Cancer. Identifiers: Orphanet 145, MedGen C2675520, MONDO:0012933, OMIM 612555. Disease mechanism: loss of function.
Hereditary breast ovarian cancer syndrome. Also called: BRCA1- and BRCA2-Associated Hereditary Breast and Ovarian Cancer; Hereditary breast and ovarian cancer; Breast and ovarian cancer; Hereditary breast and/or ovarian cancer syndrome; Hereditary breast and ovarian cancer syndrome; Hereditary breast and ovarian cancer syndrome (HBOC). Identifiers: Orphanet 145, MedGen C0677776, MeSH D061325, MONDO:0003582. Disease mechanism: loss of function.

Submissions (3):

Evidence-based Network for the Interpretation of Germline Mutant Alleles (ENIGMA)
Classification: Pathogenic for Breast-ovarian cancer, familial, susceptibility to, 2. Last evaluated: 2016-10-18. Review status: reviewed by expert panel. Criteria: ENIGMA BRCA1/2 Classification Criteria (2015). Collection method: curation. Allele origin: germline.
Comment: Variant allele predicted to encode a truncated non-functional protein.

Laboratory for Molecular Medicine, Mass General Brigham Personalized Medicine
Classification: Likely pathogenic for Hereditary breast ovarian cancer syndrome. Last evaluated: 2019-10-14. Review status: criteria provided, single submitter. Criteria: ACMG Guidelines, 2015. Collection method: clinical testing. Allele origin: germline. Not counted in ClinVar's aggregate classification.
Comment: The p.Lys1789X variant in BRCA2 has not been previously reported in individuals with hereditary breast and/or ovarian cancer (HBOC) and was absent from large population studies, but has been reported in ClinVar (Variation ID: 266875). This nonsense variant leads to a premature termination codon at position 1789, which is predicted to lead to a truncated or absent protein. Loss of function of the BRCA2 gene is an established disease mechanism in autosomal dominant HBOC. In summary, although additional studies are required to fully establish its clinical significance, this variant meets criteria to be classified as likely pathogenic for autosomal dominant HBOC. ACMG/AMP Criteria applied: PVS1, PM2.

Consortium of Investigators of Modifiers of BRCA1/2 (CIMBA), c/o University of Cambridge
Classification: Pathogenic for Breast-ovarian cancer, familial, susceptibility to, 2. Last evaluated: 2015-10-02. Review status: criteria provided, single submitter. Criteria: CIMBA Mutation Classification guidelines May 2016. Collection method: clinical testing. Allele origin: germline. Not counted in ClinVar's aggregate classification.

NM_000059.4(BRCA2):c.5365A>T (p.Lys1789Ter)

Gene: BRCA2 (BRCA2 DNA repair associated; plus strand). Cytogenetic location: 13q13.1.
Variant type: single nucleotide variant.
Coding change: c.5365A>T on transcript NM_000059.4 (MANE Select); coding-DNA position 5365, A replaced by T.
Protein change: p.Lys1789Ter; replaces lysine 1789 with a stop codon.
Molecular consequence: nonsense.
Genome position (GRCh38, 1-based): chr13:32,339,720, A>T. VCF-style: chr13-32339720-A-T. GRCh37 (hg19) VCF-style: chr13-32913857-A-T.
Other names: 5593A>T (K1789X); short protein forms K1789*.
Identifiers: ClinVar variation 266875 (VCV000266875.6), dbSNP rs587782240, ClinGen allele CA10589312.
Genomic context (GRCh38, chr13:32,339,720, plus strand): 5'-GATTCTGGTATTGAGCCAGTATTGAAGAATGTTGAAGATCAAAAAAACACTAGTTTTTCC[A>T]AAGTAATATCCAATGTAAAAGATGCAAATGCATACCCACAAACTGTAAATGAAGATATTT-3'